The following is an entry in ClinVar:

NM_007113.4(TCHH):c.1984G>A (p.Glu662Lys)

Gene: TCHH (trichohyalin; minus strand). Cytogenetic location: 1q21.3.
Variant type: single nucleotide variant.
Coding change: c.1984G>A on transcript NM_007113.4 (MANE Select); coding-DNA position 1984, G replaced by A.
Protein change: p.Glu662Lys; replaces glutamic acid 662 with lysine.
Molecular consequence: missense variant.
Genome position (GRCh38, 1-based): chr1:152,111,233, C>T on the plus strand (G>A on the coding strand, the complement: TCHH is on the minus strand). VCF-style: chr1-152111233-C-T. GRCh37 (hg19) VCF-style: chr1-152083709-C-T.
Other names: short protein forms E662K.
Identifiers: ClinVar variation 4821235 (VCV004821235.4).
Genomic context (GRCh38, chr1:152,111,233, plus strand): 5'-CGCGCCTCTCTTCCTCATGCTCGCGCTTCAGCCGCTGCTCGAGCCTCTCTTCCTCCTCCT[C>T]GCGCTTCAGCCGCTGCTCGCGCCTTTCCTGCTGCTCGCGCCTTAGTTGCTGCTGGCGCCT-3'
Protein context (NP_009044.2, residues 652-672): QERREQRLKR[Glu662Lys]EEEERLEQRL

ClinVar aggregate classification (germline): Likely benign (1 of 4 stars; one submission).

gnomAD v4.1: 492 of 1,600,668 alleles (0.031%); highest among the groups gnomAD compares: Non-Finnish European, 0.018%; 3 homozygotes.

Submission:

CeGaT Center for Human Genetics Tuebingen
Classification: Likely benign. Last evaluated: 2026-01-01. Review status: criteria provided, single submitter. Criteria: CeGaT Center For Human Genetics Tuebingen Variant Classification Criteria Version 2. Collection method: clinical testing. Allele origin: germline. Affected: yes. Observed: 1 variant allele.
Comment: TCHH: BP4, BS2